The following is an entry in ClinVar:

ClinVar aggregate classification (germline): Uncertain significance (1 of 4 stars; one submission).

Allele frequency attached by ClinVar (database versions not stated): ESP Exome Variant Server 0.00008; ExAC 0.00009; gnomAD exomes 0.00016; gnomAD 0.00022; TOPMed 0.00034; 1000 Genomes Project 0.00040; 1000 Genomes Project 30x 0.00047.
gnomAD v4.1: 273 of 1,614,014 alleles (0.017%); highest among the groups gnomAD compares: Admixed American, 0.057%; no homozygotes.

Submission:

Mayo Clinic Laboratories, Mayo Clinic
Classification: Uncertain significance. Last evaluated: 2023-05-24. Review status: criteria provided, single submitter. Criteria: ACMG Guidelines, 2015. Collection method: clinical testing. Allele origin: germline. Observed: 1 variant allele.
Comment: BS2

Literature cited by the submitters: PubMed 30507383; PubMed 32527607; PubMed 33469725.

NM_014045.5(LRP10):c.1458G>C (p.Glu486Asp)

Gene: LRP10 (LDL receptor related protein 10; plus strand). Cytogenetic location: 14q11.2.
Variant type: single nucleotide variant.
Coding change: c.1458G>C on transcript NM_014045.5 (MANE Select); coding-DNA position 1458, G replaced by C.
Protein change: p.Glu486Asp; replaces glutamic acid 486 with aspartic acid.
Molecular consequence: missense variant.
Genome position (GRCh38, 1-based): chr14:22,876,722, G>C. VCF-style: chr14-22876722-G-C. GRCh37 (hg19) VCF-style: chr14-23345931-G-C.
Other names: p.Glu486Asp; c.1458G>C, p.Glu486Asp (NM_001329226.2); short protein forms E486D.
Identifiers: ClinVar variation 2683246 (VCV002683246.1), dbSNP rs142130715, ClinGen allele CA7105938.